The following is an entry in ClinVar:

NM_015046.7(SETX):c.7995G>T (p.Glu2665Asp)

Gene: SETX (senataxin; minus strand). Cytogenetic location: 9q34.13.
Variant type: single nucleotide variant.
Coding change: c.7995G>T on transcript NM_015046.7 (MANE Select); coding-DNA position 7995, G replaced by T.
Protein change: p.Glu2665Asp; replaces glutamic acid 2665 with aspartic acid.
Molecular consequence: missense variant.
Genome position (GRCh38, 1-based): chr9:132,264,278, C>A on the plus strand (G>T on the coding strand, the complement: SETX is on the minus strand). VCF-style: chr9-132264278-C-A. GRCh37 (hg19) VCF-style: chr9-135139665-C-A.
Other names: c.7995G>T, p.Glu2665Asp (NM_001351527.2); c.8082G>T, p.Glu2694Asp (NM_001351528.2); short protein forms E2665D, E2694D.
Identifiers: ClinVar variation 426354 (VCV000426354.2), dbSNP rs1085307585, ClinGen allele CA375320801.

ClinVar aggregate classification (germline): Uncertain significance (1 of 4 stars; one submission).

Allele frequency attached by ClinVar (database versions not stated): gnomAD exomes below 0.00001; TOPMed below 0.00001; gnomAD 0.00001.
gnomAD v4.1: 2 of 1,614,096 alleles (0.00012%); highest among the groups gnomAD compares: African/African-American, 0.0027%; no homozygotes.

Submission:

GeneDx
Classification: Uncertain significance. Last evaluated: 2017-04-19. Review status: criteria provided, single submitter. Criteria: GeneDx Variant Classification (06012015). Collection method: clinical testing. Allele origin: germline. Affected: yes.
Comment: The E2665D variant in the SETX gene has not been reported previously as a pathogenic variant, nor as a benign variant, to our knowledge. The E2665D variant is not observed in large population cohorts (Lek et al., 2016; 1000 Genomes Consortium et al., 2015; Exome Variant Server). The E2665D variant is a conservative amino acid substitution, which is not likely to impact secondary protein structure as these residues share similar properties. This substitution occurs at a position that is not conserved. In silico analysis is inconsistent in its predictions as to whether or not the variant is damaging to the protein structure/function. We interpret E2665D as a variant of uncertain significance.